The following is an entry in ClinVar:

NM_001244710.2(GFPT1):c.*870C>A

Gene: GFPT1 (glutamine--fructose-6-phosphate transaminase 1; minus strand). Cytogenetic location: 2p13.3.
Variant type: single nucleotide variant.
Coding change: c.*870C>A on transcript NM_001244710.2 (MANE Select); 870 bases downstream of the stop codon, C replaced by A.
Molecular consequence: 3 prime UTR variant.
Genome position (GRCh38, 1-based): chr2:69,325,319, G>T on the plus strand (C>A on the coding strand, the complement: GFPT1 is on the minus strand). VCF-style: chr2-69325319-G-T. GRCh37 (hg19) VCF-style: chr2-69552451-G-T.
Other names: c.*870C>A (NM_002056.4).
Identifiers: ClinVar variation 336857 (VCV000336857.6), dbSNP rs77753566, ClinGen allele CA10614305.

ClinVar aggregate classification (germline): Benign. Review status: criteria provided, multiple submitters, no conflicts (2 of 4 stars). 2 submissions from 2 submitters: Benign (2). Last evaluated 2018-01-12.

Conditions:
Congenital myasthenic syndrome 12 (CMS12). Also called: MYASTHENIC SYNDROME, CONGENITAL, WITH TUBULAR AGGREGATES 1; Myasthenia, congenital, 12, with tubular aggregates. Identifiers: Orphanet 353327, Orphanet 590, MedGen C3552335, MONDO:0012518, OMIM 610542.

Allele frequency attached by ClinVar (database versions not stated): 1000 Genomes Project 0.04872; 1000 Genomes Project 30x 0.05153; TOPMed 0.09469.

Submissions (2):

Illumina Laboratory Services, Illumina
Classification: Benign for Congenital myasthenic syndrome 12. Last evaluated: 2018-01-12. Review status: criteria provided, single submitter. Criteria: ICSL Variant Classification Criteria 13 December 2019. Collection method: clinical testing. Allele origin: germline.
Comment: This variant was observed in the ICSL laboratory as part of a predisposition screen in an ostensibly healthy population. It had not been previously curated by ICSL or reported in the Human Gene Mutation Database (HGMD: prior to June 1st, 2018), and was therefore a candidate for classification through an automated scoring system. Utilizing variant allele frequency, disease prevalence and penetrance estimates, and inheritance mode, an automated score was calculated to assess if this variant is too frequent to cause the disease. Based on the score and internal cut-off values, a variant classified as benign is not then subjected to further curation. The score for this variant resulted in a classification of benign for this disease.

Breakthrough Genomics
Classification: Benign. Review status: criteria provided, single submitter. Criteria: ACMG Guidelines, 2015. Collection method: not provided. Allele origin: germline. Inheritance: Autosomal recessive inheritance. Affected: yes.